The following is an entry in ClinVar:

NM_001371986.1(UNC80):c.3515T>A (p.Val1172Glu)

Gene: UNC80 (unc-80 subunit of NALCN channel complex; plus strand). Cytogenetic location: 2q34.
Variant type: single nucleotide variant.
Coding change: c.3515T>A on transcript NM_001371986.1 (MANE Select); coding-DNA position 3515, T replaced by A.
Protein change: p.Val1172Glu; replaces valine 1172 with glutamic acid.
Molecular consequence: missense variant.
Genome position (GRCh38, 1-based): chr2:209,849,511, T>A. VCF-style: chr2-209849511-T-A. GRCh37 (hg19) VCF-style: chr2-210714235-T-A.
Other names: c.3521T>A, p.Val1174Glu (NM_032504.2); c.3506T>A, p.Val1169Glu (NM_182587.4); short protein forms V1169E, V1172E, V1174E.
Identifiers: ClinVar variation 4706173 (VCV004706173.1).

ClinVar aggregate classification (germline): Uncertain significance (1 of 4 stars; one submission).

gnomAD v4.1: 2 of 1,551,020 alleles (0.00013%); highest among the groups gnomAD compares: Non-Finnish European, 0.00017%; no homozygotes.

Submission:

Labcorp Genetics (formerly Invitae), Labcorp
Classification: Uncertain significance. Last evaluated: 2025-11-25. Review status: criteria provided, single submitter. Criteria: Invitae Variant Classification Sherloc (09022015). Collection method: clinical testing. Allele origin: germline.
Comment: This sequence change replaces valine, which is neutral and non-polar, with glutamic acid, which is acidic and polar, at codon 1174 of the UNC80 protein (p.Val1174Glu). This variant is not present in population databases (gnomAD no frequency). This variant has not been reported in the literature in individuals affected with UNC80-related conditions. An algorithm developed to predict the effect of missense changes on protein structure and function (PolyPhen-2) suggests that this variant is likely to be disruptive. In summary, the available evidence is currently insufficient to determine the role of this variant in disease. Therefore, it has been classified as a Variant of Uncertain Significance.